The following is an entry in ClinVar:

ClinVar aggregate classification (germline): Likely pathogenic (1 of 4 stars; one submission).

Conditions:
Craniosynostosis 4 (CRS4). Identifiers: MedGen C3806917, MONDO:0010929, OMIM 600775.

Submission:

3billion
Classification: Likely pathogenic for Craniosynostosis 4. Last evaluated: 2025-08-19. Review status: criteria provided, single submitter. Criteria: ACMG Guidelines, 2015. Collection method: clinical testing. Allele origin: germline. Affected: yes.
Comment: The variant is not observed in the gnomAD v4.1.0 dataset. Predicted Consequence/Location: Frameshift: predicted to result in a loss or disruption of normal protein function through protein truncation. The predicted truncated protein may be shortened by more than 10%. Therefore, this variant is classified as Likely pathogenic according to the recommendation of ACMG/AMP guideline.

NM_006494.4(ERF):c.332_333del (p.Leu111fs)

Gene: ERF (ETS2 repressor factor; minus strand). Cytogenetic location: 19q13.2.
Variant type: Deletion.
Coding change: c.332_333del on transcript NM_006494.4 (MANE Select); coding-DNA positions 332 to 333, 2 bases deleted (TG; older notation c.332_333delTG).
Protein change: p.Leu111fs; shifts the reading frame from leucine 111.
Molecular consequence: frameshift variant. On other transcripts: 5 prime UTR variant (1).
Genome position (GRCh38, 1-based): chr19:42,249,867-42,249,868, CA deleted on the plus strand (TG on the coding strand, the reverse complement: ERF is on the minus strand). VCF-style (leftmost placement, unchanged base first): chr19-42249866-CCA-C. GRCh37 (hg19) VCF-style: chr19-42754018-CCA-C.
Other names: c.107_108del, p.Leu36fs (NM_001301035.2, NM_001308402.2, NM_001312656.2 and 1 more transcripts); c.-476_-475del (NM_001440421.1); short protein forms L111fs, L36fs.
Identifiers: ClinVar variation 4855414 (VCV004855414.1).